The following is an entry in ClinVar:

ClinVar aggregate classification (germline): Uncertain significance (1 of 4 stars; one submission).

Conditions:
Intellectual developmental disorder, autosomal dominant 1. Also called: Intellectual disability, autosomal dominant 1; MBD5 Haploinsufficiency. Identifiers: Orphanet 228402, MedGen C1969562, MONDO:0007974, OMIM 156200.

Allele frequency attached by ClinVar (database versions not stated): ExAC 0.00002; TOPMed 0.00001; gnomAD exomes 0.00002 and below 0.00001; ESP Exome Variant Server 0.00008; gnomAD 0.00001 and 0.00003; 1000 Genomes Project 0.00040; 1000 Genomes Project 30x 0.00047.
gnomAD v4.1: 12 of 1,614,086 alleles (0.00074%); highest among the groups gnomAD compares: African/African-American, 0.0053%; no homozygotes.

Submission:

Labcorp Genetics (formerly Invitae), Labcorp
Classification: Uncertain significance for Intellectual developmental disorder, autosomal dominant 1. Last evaluated: 2024-07-01. Review status: criteria provided, single submitter. Criteria: Invitae Variant Classification Sherloc (09022015). Collection method: clinical testing. Allele origin: germline.
Comment: This sequence change replaces histidine, which is basic and polar, with arginine, which is basic and polar, at codon 932 of the MBD5 protein (p.His932Arg). This variant is present in population databases (rs140228960, gnomAD 0.02%). This variant has not been reported in the literature in individuals affected with MBD5-related conditions. ClinVar contains an entry for this variant (Variation ID: 1038403). Advanced modeling of protein sequence and biophysical properties (such as structural, functional, and spatial information, amino acid conservation, physicochemical variation, residue mobility, and thermodynamic stability) performed at Invitae indicates that this missense variant is not expected to disrupt MBD5 protein function with a negative predictive value of 80%. In summary, the available evidence is currently insufficient to determine the role of this variant in disease. Therefore, it has been classified as a Variant of Uncertain Significance.

NM_001378120.1(MBD5):c.2795A>G (p.His932Arg)

Gene: MBD5 (methyl-CpG binding domain protein 5; plus strand). Cytogenetic location: 2q23.1.
Variant type: single nucleotide variant.
Coding change: c.2795A>G on transcript NM_001378120.1 (MANE Select); coding-DNA position 2795, A replaced by G.
Protein change: p.His932Arg; replaces histidine 932 with arginine.
Molecular consequence: missense variant.
Genome position (GRCh38, 1-based): chr2:148,483,386, A>G. VCF-style: chr2-148483386-A-G. GRCh37 (hg19) VCF-style: chr2-149240955-A-G.
Other names: c.2795A>G, p.His932Arg (NM_018328.5); short protein forms H932R.
Identifiers: ClinVar variation 1038403 (VCV001038403.8), dbSNP rs140228960, ClinGen allele CA1900217.